The following is an entry in ClinVar:

ClinVar aggregate classification (germline): Pathogenic (1 of 4 stars; one submission).

Conditions:
Joubert syndrome 23 (JBTS23). Identifiers: Orphanet 475, MedGen C4084822, MONDO:0014664, OMIM 616490.
Short-rib thoracic dysplasia 14 with polydactyly (SRTD14). Identifiers: Orphanet 397715, MedGen C4225286, MONDO:0014688, OMIM 616546.

Submission:

Labcorp Genetics (formerly Invitae), Labcorp
Classification: Pathogenic for Joubert syndrome 23; Short-rib thoracic dysplasia 14 with polydactyly. Last evaluated: 2022-03-09. Review status: criteria provided, single submitter. Criteria: Invitae Variant Classification Sherloc (09022015). Collection method: clinical testing. Allele origin: germline.
Comment: For these reasons, this variant has been classified as Pathogenic. This variant has not been reported in the literature in individuals affected with KIAA0586-related conditions. This variant is not present in population databases (gnomAD no frequency). This sequence change creates a premature translational stop signal (p.Pro1266Leufs*18) in the KIAA0586 gene. It is expected to result in an absent or disrupted protein product. Loss-of-function variants in KIAA0586 are known to be pathogenic (PMID: 26096313, 26166481, 26386044).

Literature cited by the submitters: PubMed 26096313; PubMed 26166481; PubMed 26386044.

NM_001329943.3(KIAA0586):c.3638del (p.Pro1213fs)

Gene: KIAA0586 (KIAA0586; plus strand). Cytogenetic location: 14q23.1.
Variant type: Deletion.
Coding change: c.3638del on transcript NM_001329943.3 (MANE Select); coding-DNA position 3638, one base deleted (C; older notation c.3638delC).
Protein change: p.Pro1213fs; shifts the reading frame from proline 1213.
Molecular consequence: frameshift variant.
Genome position (GRCh38, 1-based): chr14:58,488,731, C deleted; the last of 4 consecutive C bases (chr14:58,488,728-58,488,731); deleting any one gives the same sequence. VCF-style (leftmost placement, unchanged base first): chr14-58488727-GC-G. GRCh37 (hg19) VCF-style: chr14-58955445-GC-G.
Other names: c.3506del, p.Pro1169fs (NM_001244192.2); c.3218del, p.Pro1073fs (NM_001244193.2); c.3638del, p.Pro1213fs (NM_001329944.2, NM_001329946.2, NM_001329947.2); c.3383del, p.Pro1128fs (NM_001329945.2, NM_001364700.1, NM_001364701.2 and 1 more transcripts); c.3410del, p.Pro1137fs (NM_014749.5); c.3797del, p.Pro1266fs (NM_001244189.2); c.3593del, p.Pro1198fs (NM_001244190.2); short protein forms P1137fs, P1073fs, P1169fs, P1266fs, P1128fs, P1213fs, P1198fs.
Identifiers: ClinVar variation 1452576 (VCV001452576.6), dbSNP rs2141202895, ClinGen allele CA2573150077.
Genomic context (GRCh38, chr14:58,488,727, plus strand): 5'-CCTGCTCAGCCTCCACCTCCAGAGCCAGTTCCCTTTATGCCATTTCCTGCCGGCACCAAG[GC>G]CCCTTCCCCCTCACAGATGCCAGGTTCTGATTCATCAACACTGGAGAGCACATTGAGTGT-3'